The following is an entry in ClinVar:

NM_000459.5(TEK):c.2739_2740delinsTT (p.Leu914Phe)

Gene: TEK (TEK receptor tyrosine kinase; plus strand). Cytogenetic location: 9p21.2.
Variant type: Indel.
Coding change: c.2739_2740delinsTT on transcript NM_000459.5 (MANE Select); coding-DNA positions 2739 to 2740, CC replaced by TT.
Protein change: p.Leu914Phe; replaces leucine 914 with phenylalanine.
Molecular consequence: missense variant.
Genome position (GRCh38, 1-based): chr9:27,212,759-27,212,760, CC replaced by TT. VCF-style: chr9-27212759-CC-TT. GRCh37 (hg19) VCF-style: chr9-27212757-CC-TT.
Other names: c.2610_2611delinsTT, p.Leu871Phe (NM_001290077.2); c.2295_2296delinsTT, p.Leu766Phe (NM_001290078.2); c.2736_2737delinsTT, p.Leu913Phe (NM_001375475.1); c.2607_2608delinsTT, p.Leu870Phe (NM_001375476.1); short protein forms L870F, L766F, L914F, L871F, L913F.
Identifiers: ClinVar variation 4974571 (VCV004974571.1).

ClinVar aggregate classification (germline): Pathogenic (1 of 4 stars; one submission).

Conditions:
Vascular malformation. Also called: Vascular malformations. Identifiers: MedGen C0158570, MONDO:0024291.

Submission:

Clinical Genomics Laboratory, Washington University in St. Louis
Classification: Pathogenic for Vascular malformation. Last evaluated: 2026-03-06. Review status: criteria provided, single submitter. Criteria: Leon-Quintero et al. (Clin Genet. 2025). Collection method: clinical testing. Allele origin: somatic. Affected: yes.
Comment: A TEK c.2739_2740delinsTT (p.Leu914Phe) variant was identified at an allelic fraction consistent with somatic origin. This exact variant, TEK c.2739_2740delinsTT (p.Leu914Phe), to our knowledge, has not been reported in the medical literature. However, the same amino acid change (p.Leu914Phe) due to a different coding syntax (c.2740C>T) has been identified in the literature in numerous individuals with vascular malformations (Ghasemi R et al., PMID: 39632338; Limaye N et al., PMID: 19079259; Limaye N et al., PMID: 26637981; Soblet J et al., PMID: 23801934; Triana P et al., PMID: 37158500; Ye C et al., PMID: 21962923) and has also been reported in the ClinVar database as a somatic pathogenic variant by two clinical submitters, including our laboratory (Variation ID: 981229). The TEK c.2739_2740delinsTT (p.Leu914Phe) variant resides within the kinase domain of TIE2, an endothelium-specific receptor tyrosine kinase, which is a critical functional domain (Shewchuk LM et al., PMID: 11080633). Computational predictors indicate that the variant is damaging, with evidence correlating with its impact on TEK function. In support of this prediction, in vitro and in vivo functional studies show that the TEK (p.Leu914Phe) variant increases vascular tissue growth via constitutive TIE2 phosphorylation and chronic activation of MAPK pathway, inducing vascular malformations in mice engrafted with endothelial cells derived from cell cultures (Cai Y et al., PMID: 31451744; Limaye N et al., PMID: 19079259; Nätynki M et al., PMID: 26319232; Uebelhoer M et al., PMID: 23633549; Zerbib L et al., PMID: 38880808). The TEK c.2739_2740delinsTT (p.Leu914Phe) is absent from the general population (gnomAD v4.1.0), indicating it is not a common variant. Based on available information and an internally developed protocol informed by the ACMG/AMP guidelines for variant interpretation and gene-specific practices from the ClinGen Criteria Specification Registry (Leon-Quintero FZ et al., PMID: 39434542), the TEK c.2739_2740delinsTT (p.Leu914Phe) variant is classified as pathogenic.